The following is an entry in ClinVar:

ClinVar aggregate classification (germline): Benign/Likely benign. Review status: criteria provided, multiple submitters, no conflicts (2 of 4 stars). 3 submissions from 3 submitters: Benign (1); Likely benign (2). Last evaluated 2026-06-08.

Conditions:
ANKRD1-related disorder. Also called: ANKRD1-related condition.
Cardiomyopathy (CMYO). Also called: Cardiomyopathies. Identifiers: Orphanet 167848, MedGen C0878544, MONDO:0004994, HP:0001638. Inheritance: Various modes of inheritance.
ANKRD1-related dilated cardiomyopathy. Identifiers: MedGen CN119551.

Submissions (3):

PreventionGenetics, part of Exact Sciences
Classification: Likely benign for ANKRD1-related condition. Last evaluated: 2026-06-08. Review status: criteria provided, single submitter. Criteria: ACMG Guidelines, 2015. Collection method: clinical testing. Allele origin: germline.
Comment: This variant is classified as likely benign based on ACMG/AMP sequence variant interpretation guidelines (Richards et al. 2015 PMID: 25741868, with internal and published modifications).

Labcorp Genetics (formerly Invitae), Labcorp
Classification: Likely benign for ANKRD1-related dilated cardiomyopathy. Last evaluated: 2026-01-19. Review status: criteria provided, single submitter. Criteria: Invitae Variant Classification Sherloc (09022015). Collection method: clinical testing. Allele origin: germline.

GeneDx
Classification: Benign for Cardiomyopathy. Last evaluated: 2013-06-06. Review status: criteria provided, single submitter. Criteria: GeneDx Variant Classification (06012015). Collection method: clinical testing. Allele origin: germline. Affected: yes.
Comment: The variant is found in DCM panel(s).

NM_014391.3(ANKRD1):c.346-14_346-9del

Gene: ANKRD1 (ankyrin repeat domain 1; minus strand). Cytogenetic location: 10q23.31.
Variant type: Deletion.
Coding change: c.346-14_346-9del on transcript NM_014391.3 (MANE Select); 14 bases into the intron before coding-DNA position 346 through 9 bases into the intron before coding-DNA position 346, 6 bases deleted (TATTTT; older notation c.346-14_346-9delTATTTT).
Molecular consequence: intron variant.
Genome position (GRCh38, 1-based): chr10:90,918,981-90,918,986, AAAATA deleted on the plus strand (TATTTT on the coding strand, the reverse complement: ANKRD1 is on the minus strand); deleting any 6 consecutive bases within chr10:90,918,981-90,918,988 gives the same sequence; the c. name uses the placement nearest the transcript's 3' end. VCF-style (leftmost placement, unchanged base first): chr10-90918980-CAAAATA-C. GRCh37 (hg19) VCF-style: chr10-92678737-CAAAATA-C.
Other names: c.346-14_346-9delTATTTT (NM_014391.2).
Identifiers: ClinVar variation 201657 (VCV000201657.12), dbSNP rs773314113, ClinGen allele CA335060.